The following is an entry in ClinVar:

ClinVar aggregate classification (germline): Uncertain significance (1 of 4 stars; one submission).

Submission:

GeneDx
Classification: Uncertain significance. Last evaluated: 2025-06-05. Review status: criteria provided, single submitter. Criteria: GeneDx Variant Classification Process June 2021. Collection method: clinical testing. Allele origin: germline. Affected: yes.
Comment: Not observed at significant frequency in large population cohorts (gnomAD); In silico analysis supports that this missense variant has a deleterious effect on protein structure/function; Has not been previously published as pathogenic or benign to our knowledge

NM_170606.3(KMT2C):c.822C>G (p.Asp274Glu)

Gene: KMT2C (lysine methyltransferase 2C; minus strand). Cytogenetic location: 7q36.1.
Variant type: single nucleotide variant.
Coding change: c.822C>G on transcript NM_170606.3 (MANE Select); coding-DNA position 822, C replaced by G.
Protein change: p.Asp274Glu; replaces aspartic acid 274 with glutamic acid.
Molecular consequence: missense variant.
Genome position (GRCh38, 1-based): chr7:152,309,993, G>C on the plus strand (C>G on the coding strand, the complement: KMT2C is on the minus strand). VCF-style: chr7-152309993-G-C. GRCh37 (hg19) VCF-style: chr7-152007078-G-C.
Other names: short protein forms D274E.
Identifiers: ClinVar variation 4536168 (VCV004536168.1).